The following is an entry in ClinVar:

ClinVar aggregate classification (germline): Uncertain significance (1 of 4 stars; one submission).

Submission:

Ambry Genetics
Classification: Uncertain significance. Last evaluated: 2021-08-25. Review status: criteria provided, single submitter. Criteria: Ambry Variant Classification Scheme 2023. Collection method: clinical testing. Allele origin: germline.
Comment: The p.T290A variant (also known as c.868A>G), located in coding exon 6 of the BUB3 gene, results from an A to G substitution at nucleotide position 868. The threonine at codon 290 is replaced by alanine, an amino acid with similar properties. This amino acid position is conserved. In addition, this alteration is predicted to be tolerated by in silico analysis. Since supporting evidence is limited at this time, the clinical significance of this alteration remains unclear.

NM_004725.4(BUB3):c.868A>G (p.Thr290Ala)

Gene: BUB3 (BUB3 mitotic checkpoint protein; plus strand). Cytogenetic location: 10q26.13.
Variant type: single nucleotide variant.
Coding change: c.868A>G on transcript NM_004725.4 (MANE Select); coding-DNA position 868, A replaced by G.
Protein change: p.Thr290Ala; replaces threonine 290 with alanine.
Molecular consequence: missense variant.
Genome position (GRCh38, 1-based): chr10:123,162,725, A>G. VCF-style: chr10-123162725-A-G. GRCh37 (hg19) VCF-style: chr10-124922241-A-G.
Other names: c.868A>G, p.Thr290Ala (NM_001007793.3); short protein forms T290A.
Identifiers: ClinVar variation 1764301 (VCV001764301.2), dbSNP rs2493767069, ClinGen allele CA378627094.